The following is an entry in ClinVar:

NM_001083116.3(PRF1):c.374T>C (p.Ile125Thr)

Gene: PRF1 (perforin 1; minus strand). Cytogenetic location: 10q22.1.
Variant type: single nucleotide variant.
Coding change: c.374T>C on transcript NM_001083116.3 (MANE Select); coding-DNA position 374, T replaced by C.
Protein change: p.Ile125Thr; replaces isoleucine 125 with threonine.
Molecular consequence: missense variant.
Genome position (GRCh38, 1-based): chr10:70,600,529, A>G on the plus strand (T>C on the coding strand, the complement: PRF1 is on the minus strand). VCF-style: chr10-70600529-A-G. GRCh37 (hg19) VCF-style: chr10-72360285-A-G.
Other names: c.374T>C, p.Ile125Thr (NM_005041.6); short protein forms I125T.
Identifiers: ClinVar variation 1694127 (VCV001694127.6), dbSNP rs763389567, ClinGen allele CA5539057.

ClinVar aggregate classification (germline): Uncertain significance. Review status: criteria provided, multiple submitters, no conflicts (2 of 4 stars). 4 submissions from 4 submitters: Uncertain significance (4). Last evaluated 2026-05-19.

Conditions:
Familial hemophagocytic lymphohistiocytosis 2 (FHL2). Also called: PRF1-Related Familial Hemophagocytic Lymphohistiocytosis (PRF1-fHLH). Identifiers: Orphanet 540, MedGen C1863727, MONDO:0011337, OMIM 603553.
Lymphoma, non-Hodgkin, familial. Identifiers: MedGen C4721532, MONDO:0011508, OMIM 605027.
Aplastic anemia. Identifiers: Orphanet 182040, Orphanet 88, MedGen C0002874, MONDO:0015909, OMIM 609135, HP:0001915.
Autoinflammatory syndrome. Identifiers: Orphanet 93665, MedGen C3890737, MONDO:0019751.

Allele frequency attached by ClinVar (database versions not stated): gnomAD exomes below 0.00001 and 0.00001; ExAC 0.00001; gnomAD 0.00001.

Submissions (4):

Myriad Genetics, Inc.
Classification: Uncertain significance for Familial hemophagocytic lymphohistiocytosis 2. Last evaluated: 2026-05-19. Review status: criteria provided, single submitter. Criteria: Myriad Autosomal Dominant, Autosomal Recessive and X-Linked Classification Criteria (2023). Collection method: clinical testing. Allele origin: unknown.
Comment: NM_001083116.1(PRF1):c.374T>C(I125T) is a missense variant classified as a variant of uncertain significance in the context of familial hemophagocytic lymphohistiocytosis, PRF1-related. I125T has been observed in a case with relevant disease (PMID: 40090000). Relevant functional assessments of this variant are not available in the literature. I125T has been observed in referenced population frequency databases. In summary, there is insufficient evidence to classify NM_001083116.1(PRF1):c.374T>C(I125T) as pathogenic or benign. Please note: this variant was assessed in the context of healthy population screening.

Department of Pathology and Laboratory Medicine, Sinai Health System
Classification: Uncertain significance for Familial hemophagocytic lymphohistiocytosis 2; Lymphoma, non-Hodgkin, familial; Aplastic anemia. Last evaluated: 2021-07-30. Review status: criteria provided, single submitter. Criteria: ACMG Guidelines, 2015. Collection method: research. Allele origin: germline.

Blueprint Genetics
Classification: Uncertain significance. Last evaluated: 2020-07-22. Review status: criteria provided, single submitter. Criteria: ACMG Guidelines, 2015. Collection method: clinical testing. Allele origin: germline.

Genome Diagnostics Laboratory, The Hospital for Sick Children
Classification: Uncertain significance for Autoinflammatory syndrome. Last evaluated: 2020-07-21. Review status: criteria provided, single submitter. Criteria: ACMG Guidelines, 2015. Collection method: clinical testing. Allele origin: germline. Affected: yes.

Literature cited by the submitters: PubMed 40090000 (cited by Myriad Genetics, Inc.).